The following is an entry in ClinVar:

NM_000298.6(PKLR):c.1189G>A (p.Asp397Asn)

Gene: PKLR (pyruvate kinase L/R; minus strand). Cytogenetic location: 1q22.
Variant type: single nucleotide variant.
Coding change: c.1189G>A on transcript NM_000298.6 (MANE Select); coding-DNA position 1189, G replaced by A.
Protein change: p.Asp397Asn; replaces aspartic acid 397 with asparagine.
Molecular consequence: missense variant.
Genome position (GRCh38, 1-based): chr1:155,293,518, C>T on the plus strand (G>A on the coding strand, the complement: PKLR is on the minus strand). VCF-style: chr1-155293518-C-T. GRCh37 (hg19) VCF-style: chr1-155263309-C-T.
Other names: c.1096G>A, p.Asp366Asn (NM_181871.4); short protein forms D366N, D397N.
Identifiers: ClinVar variation 3346748 (VCV003346748.1).

ClinVar aggregate classification (germline): Uncertain significance (0 of 4 stars; one submission).

Conditions:
PKLR-related disorder. Also called: PKLR-related condition.

Submission:

PreventionGenetics, part of Exact Sciences
Classification: Uncertain significance for PKLR-related condition. Last evaluated: 2024-09-20. Review status: no assertion criteria provided. Collection method: clinical testing. Allele origin: germline.
Comment: The PKLR c.1189G>A variant is predicted to result in the amino acid substitution p.Asp397Asn. To our knowledge, this variant has not been reported in the literature or in a large population database, indicating this variant is rare. An alternate nucleotide change affecting the same amino acid (p.Asp397Val) has been reported in the compound heterozygous state in an individual affected with pyruvate kinase deficiency (PubMed ID: 15953013). Although we suspect that this variant may be pathogenic, at this time, the clinical significance of this variant is uncertain due to the absence of conclusive functional and genetic evidence.